The following is an entry in ClinVar:

NM_006947.4(SRP72):c.58C>A (p.Arg20=)

Gene: SRP72 (signal recognition particle 72; plus strand). Cytogenetic location: 4q12.
Variant type: single nucleotide variant.
Coding change: c.58C>A on transcript NM_006947.4 (MANE Select); coding-DNA position 58, C replaced by A.
Protein change: p.Arg20=; no amino-acid change (arginine 20 retained).
Molecular consequence: synonymous variant. On other transcripts: non-coding transcript variant (1).
Genome position (GRCh38, 1-based): chr4:56,467,693, C>A. VCF-style: chr4-56467693-C-A. GRCh37 (hg19) VCF-style: chr4-57333859-C-A.
Other names: c.58C>A, p.Arg20= (NM_001267722.2).
Identifiers: ClinVar variation 1939458 (VCV001939458.5), dbSNP rs111673705, ClinGen allele CA2930945.

ClinVar aggregate classification (germline): Uncertain significance (1 of 4 stars; one submission).

gnomAD v4.1: 5 of 1,554,472 alleles (0.00032%); highest among the groups gnomAD compares: African/African-American, 0.0057%; no homozygotes.

Submission:

Labcorp Genetics (formerly Invitae), Labcorp
Classification: Uncertain significance. Last evaluated: 2022-05-15. Review status: criteria provided, single submitter. Criteria: Invitae Variant Classification Sherloc (09022015). Collection method: clinical testing. Allele origin: germline.
Comment: Algorithms developed to predict the effect of sequence changes on RNA splicing suggest that this variant may create or strengthen a splice site. This variant has not been reported in the literature in individuals affected with SRP72-related conditions. This variant is present in population databases (rs111673705, gnomAD 0.01%). This sequence change affects codon 20 of the SRP72 mRNA. It is a 'silent' change, meaning that it does not change the encoded amino acid sequence of the SRP72 protein. In summary, the available evidence is currently insufficient to determine the role of this variant in disease. Therefore, it has been classified as a Variant of Uncertain Significance.